The following is an entry in ClinVar:

NM_001099274.3(TINF2):c.801A>C (p.Arg267Ser)

Gene: TINF2 (TERF1 interacting nuclear factor 2; minus strand). Cytogenetic location: 14q12.
Variant type: single nucleotide variant.
Coding change: c.801A>C on transcript NM_001099274.3 (MANE Select); coding-DNA position 801, A replaced by C.
Protein change: p.Arg267Ser; replaces arginine 267 with serine.
Molecular consequence: missense variant.
Genome position (GRCh38, 1-based): chr14:24,240,679, T>G on the plus strand (A>C on the coding strand, the complement: TINF2 is on the minus strand). VCF-style: chr14-24240679-T-G. GRCh37 (hg19) VCF-style: chr14-24709885-T-G.
Other names: c.696A>C, p.Arg232Ser (NM_001363668.2); c.801A>C, p.Arg267Ser (NM_012461.3); short protein forms R232S, R267S.
Identifiers: ClinVar variation 2973758 (VCV002973758.3), dbSNP rs1025235486, ClinGen allele CA257880952.
Genomic context (GRCh38, chr14:24,240,679, plus strand): 5'-CAGCATGACTGTGGGGCGCTCCTTATGGCCTCCCCTAGTGGAGGCCCATTGGGACTGAAC[T>G]CTTCGTCGGCCTAGAGGGGCCAGATTGAAGTGTCGGCCAGCTAGAGGTTCTGGGTGCGTC-3'
Protein context (NP_001092744.1, residues 257-277): HFNLAPLGRR[Arg267Ser]VQSQWASTRG

ClinVar aggregate classification (germline): Uncertain significance (1 of 4 stars; one submission).

Conditions:
Dyskeratosis congenita. Identifiers: Orphanet 1775, MedGen C0265965, MONDO:0015780.

Submission:

Labcorp Genetics (formerly Invitae), Labcorp
Classification: Uncertain significance for Dyskeratosis congenita. Last evaluated: 2023-12-13. Review status: criteria provided, single submitter. Criteria: Invitae Variant Classification Sherloc (09022015). Collection method: clinical testing. Allele origin: germline.
Comment: This sequence change replaces arginine, which is basic and polar, with serine, which is neutral and polar, at codon 267 of the TINF2 protein (p.Arg267Ser). This variant is present in population databases (no rsID available, gnomAD 0.0009%). This variant has not been reported in the literature in individuals affected with TINF2-related conditions. An algorithm developed to predict the effect of missense changes on protein structure and function (PolyPhen-2) suggests that this variant is likely to be tolerated. In summary, the available evidence is currently insufficient to determine the role of this variant in disease. Therefore, it has been classified as a Variant of Uncertain Significance.